The following is an entry in ClinVar:

ClinVar aggregate classification (germline): Conflicting classifications of pathogenicity. Review status: criteria provided, conflicting classifications (1 of 4 stars). 2 submissions from 2 submitters: Uncertain significance (1); Likely benign (1). Last evaluated 2025-06-12.

Conditions:
Inborn genetic diseases. Identifiers: MedGen C0950123, MeSH D030342.

Allele frequency attached by ClinVar (database versions not stated): gnomAD exomes 0.00002; ExAC 0.00005.
gnomAD v4.1: 25 of 1,614,120 alleles (0.0015%); highest among the groups gnomAD compares: South Asian, 0.025%; no homozygotes.

Submissions (2):

Labcorp Genetics (formerly Invitae), Labcorp
Classification: Uncertain significance. Last evaluated: 2025-06-12. Review status: criteria provided, single submitter. Criteria: Invitae Variant Classification Sherloc (09022015). Collection method: clinical testing. Allele origin: germline.
Comment: This sequence change replaces glutamic acid, which is acidic and polar, with aspartic acid, which is acidic and polar, at codon 275 of the AUTS2 protein (p.Glu275Asp). This variant is present in population databases (rs774709893, gnomAD 0.03%). This variant has not been reported in the literature in individuals affected with AUTS2-related conditions. ClinVar contains an entry for this variant (Variation ID: 2082186). Invitae Evidence Modeling of protein sequence and biophysical properties (such as structural, functional, and spatial information, amino acid conservation, physicochemical variation, residue mobility, and thermodynamic stability) indicates that this missense variant is expected to disrupt AUTS2 protein function with a positive predictive value of 80%. In summary, the available evidence is currently insufficient to determine the role of this variant in disease. Therefore, it has been classified as a Variant of Uncertain Significance.

Ambry Genetics
Classification: Likely benign for Inborn genetic diseases. Last evaluated: 2021-12-07. Review status: criteria provided, single submitter. Criteria: Ambry Variant Classification Scheme 2023. Collection method: clinical testing. Allele origin: germline.

NM_015570.4(AUTS2):c.825G>C (p.Glu275Asp)

Gene: AUTS2 (activator of transcription and developmental regulator AUTS2; plus strand). Cytogenetic location: 7q11.22.
Variant type: single nucleotide variant.
Coding change: c.825G>C on transcript NM_015570.4 (MANE Select); coding-DNA position 825, G replaced by C.
Protein change: p.Glu275Asp; replaces glutamic acid 275 with aspartic acid.
Molecular consequence: missense variant.
Genome position (GRCh38, 1-based): chr7:70,762,952, G>C. VCF-style: chr7-70762952-G-C. GRCh37 (hg19) VCF-style: chr7-70227938-G-C.
Other names: c.825G>C, p.Glu275Asp (NM_001127231.3); short protein forms E275D.
Identifiers: ClinVar variation 2082186 (VCV002082186.5), dbSNP rs774709893, ClinGen allele CA4280499.